The following is an entry in ClinVar:

ClinVar aggregate classification (germline): Uncertain significance. Review status: criteria provided, multiple submitters, no conflicts (2 of 4 stars). 2 submissions from 2 submitters: Uncertain significance (2). Last evaluated 2021-04-14.

Conditions:
Familial cold autoinflammatory syndrome 3 (FCAS3). Also called: ANTIBODY DEFICIENCY AND IMMUNE DYSREGULATION, PLCG2-ASSOCIATED; FAMILIAL ATYPICAL COLD URTICARIA. Identifiers: Orphanet 300359, MedGen C3280914, MONDO:0013766, OMIM 614468.

gnomAD v4.1: 7 of 1,614,134 alleles (0.00043%); highest among the groups gnomAD compares: Non-Finnish European, 0.00042%; no homozygotes.

Submissions (2):

GeneDx
Classification: Uncertain significance. Last evaluated: 2021-04-14. Review status: criteria provided, single submitter. Criteria: GeneDx Variant Classification Process June 2021. Collection method: clinical testing. Allele origin: germline. Affected: yes.
Comment: Not observed in large population cohorts (Lek et al., 2016); In silico analysis supports that this missense variant does not alter protein structure/function; Has not been previously published as pathogenic or benign to our knowledge

Labcorp Genetics (formerly Invitae), Labcorp
Classification: Uncertain significance for Familial cold autoinflammatory syndrome 3. Last evaluated: 2021-04-09. Review status: criteria provided, single submitter. Criteria: Invitae Variant Classification Sherloc (09022015). Collection method: clinical testing. Allele origin: germline.
Comment: This variant has not been reported in the literature in individuals with PLCG2-related conditions. This variant is not present in population databases (ExAC no frequency). This sequence change replaces glutamic acid with aspartic acid at codon 887 of the PLCG2 protein (p.Glu887Asp). The glutamic acid residue is moderately conserved and there is a small physicochemical difference between glutamic acid and aspartic acid. Algorithms developed to predict the effect of missense changes on protein structure and function (SIFT, PolyPhen-2, Align-GVGD) all suggest that this variant is likely to be tolerated, but these predictions have not been confirmed by published functional studies and their clinical significance is uncertain. In summary, the available evidence is currently insufficient to determine the role of this variant in disease. Therefore, it has been classified as a Variant of Uncertain Significance.

NM_002661.5(PLCG2):c.2661G>T (p.Glu887Asp)

Gene: PLCG2 (phospholipase C gamma 2; plus strand). Cytogenetic location: 16q23.3.
Variant type: single nucleotide variant.
Coding change: c.2661G>T on transcript NM_002661.5 (MANE Select); coding-DNA position 2661, G replaced by T.
Protein change: p.Glu887Asp; replaces glutamic acid 887 with aspartic acid.
Molecular consequence: missense variant.
Genome position (GRCh38, 1-based): chr16:81,931,576, G>T. VCF-style: chr16-81931576-G-T. GRCh37 (hg19) VCF-style: chr16-81965181-G-T.
Other names: short protein forms E887D.
Identifiers: ClinVar variation 969743 (VCV000969743.11), dbSNP rs201601618, ClinGen allele CA396903613.
Genomic context (GRCh38, chr16:81,931,576, plus strand): 5'-AAACCAGAAGTCCTTTGTCTTCATCCTGGAGCCCAAGCAGCAGGGCGATCCTCCGGTGGA[G>T]TTTGCCACAGACAGGGTGGAGGAGCTCTTTGAGTGGTTTCAGAGCATCCGAGAGATCACC-3'
Protein context (NP_002652.2, residues 877-897): EPKQQGDPPV[Glu887Asp]FATDRVEELF